The following is an entry in ClinVar:

ClinVar aggregate classification (germline): Uncertain significance (1 of 4 stars; one submission).

Conditions:
Inborn genetic diseases. Identifiers: MedGen C0950123, MeSH D030342.

Submission:

Ambry Genetics
Classification: Uncertain significance for Inborn genetic diseases. Last evaluated: 2024-10-16. Review status: criteria provided, single submitter. Criteria: Ambry Variant Classification Scheme 2023. Collection method: clinical testing. Allele origin: germline.
Comment: The c.81_92del12 (p.E28_P31del) alteration is located in exon 1 (coding exon 1) of the SASH1 gene. This alteration consists of an in-frame deletion of 12 nucleotides between nucleotide positions c.81 and c.92, resulting in the deletion of 4 residues. Based on insufficient or conflicting evidence, the clinical significance of this alteration remains unclear.

NM_015278.5(SASH1):c.81_92del (p.26EP[1])

Gene: SASH1 (SAM and SH3 domain containing 1; plus strand). Cytogenetic location: 6q24.3.
Variant type: Deletion.
Coding change: c.81_92del on transcript NM_015278.5 (MANE Select); coding-DNA positions 81 to 92, 12 bases deleted (GGAACCGGAGCC).
Protein change: p.26EP[1].
Molecular consequence: 5 prime UTR variant (on NM_001346506.2). On other transcripts: intron variant (1).
Genome position (GRCh38, 1-based): chr6:148,343,148-148,343,159, GGAACCGGAGCC deleted; deleting any 12 consecutive bases within chr6:148,343,140-148,343,159 gives the same sequence; the c. name uses the placement nearest the transcript's 3' end. VCF-style (leftmost placement, unchanged base first): chr6-148343139-GCCGGAGCCGGAA-G. GRCh37 (hg19) VCF-style: chr6-148664275-GCCGGAGCCGGAA-G.
Other names: c.-357_-346del (NM_001346506.2); c.22-46986_22-46975del (NM_001346505.2).
Identifiers: ClinVar variation 3437428 (VCV003437428.1).